The following is an entry in ClinVar:

NM_019842.4(KCNQ5):c.1961C>T (p.Thr654Ile)

Gene: KCNQ5 (potassium voltage-gated channel subfamily Q member 5; plus strand). Cytogenetic location: 6q13.
Variant type: single nucleotide variant.
Coding change: c.1961C>T on transcript NM_019842.4 (MANE Select); coding-DNA position 1961, C replaced by T.
Protein change: p.Thr654Ile; replaces threonine 654 with isoleucine.
Molecular consequence: missense variant.
Genome position (GRCh38, 1-based): chr6:73,194,576, C>T. VCF-style: chr6-73194576-C-T. GRCh37 (hg19) VCF-style: chr6-73904299-C-T.
Other names: c.1934C>T, p.Thr645Ile (NM_001160130.2); c.1991C>T, p.Thr664Ile (NM_001160132.2); c.2018C>T, p.Thr673Ile (NM_001160133.2); c.1631C>T, p.Thr544Ile (NM_001160134.2); short protein forms T544I, T654I, T664I, T645I, T673I.
Identifiers: ClinVar variation 1950844 (VCV001950844.5), dbSNP rs2533930367, ClinGen allele CA364694664.
Genomic context (GRCh38, chr6:73,194,576, plus strand): 5'-GCTCTGCCTCAGCCCTCGCTTTGGCTTCATTCCAGATCCCACCTTTTGAATGTGAACAGA[C>T]ATCTGACTATCAAAGCCCTGTGGATAGCAAAGATCTTTCGGGTTCCGCACAAAACAGTGG-3'
Protein context (NP_062816.2, residues 644-664): FQIPPFECEQ[Thr654Ile]SDYQSPVDSK

ClinVar aggregate classification (germline): Uncertain significance (1 of 4 stars; one submission).

Submission:

Labcorp Genetics (formerly Invitae), Labcorp
Classification: Uncertain significance. Last evaluated: 2022-03-15. Review status: criteria provided, single submitter. Criteria: Invitae Variant Classification Sherloc (09022015). Collection method: clinical testing. Allele origin: germline.
Comment: This sequence change replaces threonine, which is neutral and polar, with isoleucine, which is neutral and non-polar, at codon 673 of the KCNQ5 protein (p.Thr673Ile). In summary, the available evidence is currently insufficient to determine the role of this variant in disease. Therefore, it has been classified as a Variant of Uncertain Significance. Advanced modeling of protein sequence and biophysical properties (such as structural, functional, and spatial information, amino acid conservation, physicochemical variation, residue mobility, and thermodynamic stability) performed at Invitae indicates that this missense variant is expected to disrupt KCNQ5 protein function. This variant has not been reported in the literature in individuals affected with KCNQ5-related conditions. This variant is not present in population databases (gnomAD no frequency).